The following is an entry in ClinVar:

NM_001374385.1(ATP8B1):c.1461C>T (p.His487=)

Gene: ATP8B1 (ATPase phospholipid transporting 8B1; minus strand). Cytogenetic location: 18q21.31.
Variant type: single nucleotide variant.
Coding change: c.1461C>T on transcript NM_001374385.1 (MANE Select); coding-DNA position 1461, C replaced by T.
Protein change: p.His487=; no amino-acid change (histidine 487 retained).
Molecular consequence: synonymous variant.
Genome position (GRCh38, 1-based): chr18:57,685,084, G>A on the plus strand (C>T on the coding strand, the complement: ATP8B1 is on the minus strand). VCF-style: chr18-57685084-G-A. GRCh37 (hg19) VCF-style: chr18-55352316-G-A.
Other names: c.1311C>T, p.His437= (NM_001374386.1); c.1461C>T, p.His487= (NM_005603.6).
Identifiers: ClinVar variation 4846161 (VCV004846161.1).

ClinVar aggregate classification (germline): Likely benign (1 of 4 stars; one submission).

Conditions:
Familial intrahepatic cholestasis. Identifiers: Orphanet 284385, MedGen CN296401, MONDO:0017290.

gnomAD v4.1: 2 of 1,614,054 alleles (0.00012%); highest among the groups gnomAD compares: African/African-American, 0.0013%; no homozygotes.

Submission:

Genomenon, Inc
Classification: Likely benign for Familial intrahepatic cholestasis. Last evaluated: 2026-04-14. Review status: criteria provided, single submitter. Criteria: Genomenon Sequence Variant Interpretation Standards - Updated. Collection method: curation. Allele origin: germline. Affected: no.
Comment: ATP8B1 c.1461C>T is a synonymous variant that retains Histidine at residue 487. This variant has been reported in the published literature (PMID:24260417). It is absent or not present at a significant frequency in gnomAD. This synonymous variant is not predicted to impact splicing. In conclusion, we classify ATP8B1 p.His487= (c.1461C>T) as a likely benign variant.

Literature cited by the submitters: PubMed 24260417.